The following is an entry in ClinVar:

ClinVar aggregate classification (germline): Uncertain significance (1 of 4 stars; one submission).

Conditions:
GNAS-related disorder. Identifiers: MedGen CN380105.

Submission:

PreventionGenetics, part of Exact Sciences
Classification: Uncertain significance for GNAS-related condition. Last evaluated: 2026-08-25. Review status: criteria provided, single submitter. Criteria: ACMG Guidelines, 2015. Collection method: clinical testing. Allele origin: germline.
Comment: The GNAS c.-50911A>T variant is located in the 5' untranslated region. This variant corresponds to a pre-coding position (c.-50911A>T) in the NM_000516.5 transcript. To our knowledge, this variant has not been reported in the literature or in a large population database (gnomAD), indicating this variant is rare. At this time, the clinical significance of this variant is uncertain due to the absence of conclusive functional and genetic evidence.

NM_016592.5(GNAS):c.710A>T (p.Lys237Met)

Genes: GNAS (GNAS complex locus; plus strand), GNAS-AS1 (GNAS antisense RNA 1; minus strand). Cytogenetic location: 20q13.32.
Variant type: single nucleotide variant.
Coding change: c.710A>T on transcript NM_016592.5 (MANE Plus Clinical); coding-DNA position 710, A replaced by T.
Protein change: p.Lys237Met; replaces lysine 237 with methionine.
Molecular consequence: missense variant. On other transcripts: 5 prime UTR variant (1).
Genome position (GRCh38, 1-based): chr20:58,840,816, A>T. VCF-style: chr20-58840816-A-T. GRCh37 (hg19) VCF-style: chr20-57415871-A-T.
Other names: c.-28A>T (NM_001410912.1); short protein forms K237M.
Identifiers: ClinVar variation 4990632 (VCV004990632.1).